The following is an entry in ClinVar:

NM_001184.4(ATR):c.2451C>G (p.Asp817Glu)

Gene: ATR (ATR checkpoint kinase; minus strand). Cytogenetic location: 3q23.
Variant type: single nucleotide variant.
Coding change: c.2451C>G on transcript NM_001184.4 (MANE Select); coding-DNA position 2451, C replaced by G.
Protein change: p.Asp817Glu; replaces aspartic acid 817 with glutamic acid.
Molecular consequence: missense variant.
Genome position (GRCh38, 1-based): chr3:142,553,906, G>C on the plus strand (C>G on the coding strand, the complement: ATR is on the minus strand). VCF-style: chr3-142553906-G-C. GRCh37 (hg19) VCF-style: chr3-142272748-G-C.
Other names: c.2451C>G (NM_001184.3); c.2259C>G, p.Asp753Glu (NM_001354579.2); short protein forms D817E, D753E.
Identifiers: ClinVar variation 1480160 (VCV001480160.7), dbSNP rs746890094, ClinGen allele CA2650357.

ClinVar aggregate classification (germline): Uncertain significance. Review status: criteria provided, multiple submitters, no conflicts (2 of 4 stars). 2 submissions from 2 submitters: Uncertain significance (2). Last evaluated 2023-11-20.

Conditions:
Inborn genetic diseases. Identifiers: MedGen C0950123, MeSH D030342.

Allele frequency attached by ClinVar (database versions not stated): gnomAD exomes below 0.00001 and 0.00002; ExAC 0.00001.
gnomAD v4.1: 11 of 1,613,032 alleles (0.00068%); highest among the groups gnomAD compares: East Asian, 0.025%; no homozygotes.

Submissions (2):

Labcorp Genetics (formerly Invitae), Labcorp
Classification: Uncertain significance. Last evaluated: 2023-11-20. Review status: criteria provided, single submitter. Criteria: Invitae Variant Classification Sherloc (09022015). Collection method: clinical testing. Allele origin: germline.
Comment: This sequence change replaces aspartic acid, which is acidic and polar, with glutamic acid, which is acidic and polar, at codon 817 of the ATR protein (p.Asp817Glu). This variant is present in population databases (rs746890094, gnomAD 0.006%). This variant has not been reported in the literature in individuals affected with ATR-related conditions. ClinVar contains an entry for this variant (Variation ID: 1480160). An algorithm developed to predict the effect of missense changes on protein structure and function (PolyPhen-2) suggests that this variant is likely to be tolerated. In summary, the available evidence is currently insufficient to determine the role of this variant in disease. Therefore, it has been classified as a Variant of Uncertain Significance.

Ambry Genetics
Classification: Uncertain significance for Inborn genetic diseases. Last evaluated: 2023-11-01. Review status: criteria provided, single submitter. Criteria: Ambry Variant Classification Scheme 2023. Collection method: clinical testing. Allele origin: germline.
Comment: The p.D817E variant (also known as c.2451C>G), located in coding exon 11 of the ATR gene, results from a C to G substitution at nucleotide position 2451. The aspartic acid at codon 817 is replaced by glutamic acid, an amino acid with highly similar properties. This amino acid position is conserved. In addition, the in silico prediction for this alteration is inconclusive. Since supporting evidence is limited at this time, the clinical significance of this alteration remains unclear.